The following is an entry in ClinVar:

NM_145691.4(ATPAF2):c.848A>G (p.Lys283Arg)

Gene: ATPAF2 (ATP synthase mitochondrial F1 complex assembly factor 2; minus strand). Cytogenetic location: 17p11.2.
Variant type: single nucleotide variant.
Coding change: c.848A>G on transcript NM_145691.4 (MANE Select); coding-DNA position 848, A replaced by G.
Protein change: p.Lys283Arg; replaces lysine 283 with arginine.
Molecular consequence: missense variant.
Genome position (GRCh38, 1-based): chr17:18,018,571, T>C on the plus strand (A>G on the coding strand, the complement: ATPAF2 is on the minus strand). VCF-style: chr17-18018571-T-C. GRCh37 (hg19) VCF-style: chr17-17921885-T-C.
Other names: short protein forms K283R.
Identifiers: ClinVar variation 5017844 (VCV005017844.1).
Genomic context (GRCh38, chr17:18,018,571, plus strand): 5'-CACTGCCTCTATCCTGCTGAGTGTGCTCTGCCCAGGCCTCACTCCTTCAGGAGCTTGTGC[T>C]TGACTGTGGTGCTCTCGGAGCAGAGATGGATGAAGAGGGTGCCGGCGGCGGTGCGGGCCC-3'
Protein context (NP_663729.1, residues 273-289): IHLCSESTTV[Lys283Arg]HKLLKE

ClinVar aggregate classification (germline): Uncertain significance (1 of 4 stars; one submission).

gnomAD v4.1: 2 of 1,613,756 alleles (0.00012%); highest among the groups gnomAD compares: Non-Finnish European, 0.000085%; no homozygotes.

Submission:

GeneDx
Classification: Uncertain significance. Last evaluated: 2026-04-09. Review status: criteria provided, single submitter. Criteria: GeneDx Variant Classification Process June 2021. Collection method: clinical testing. Allele origin: germline.
Comment: Not observed at significant frequency in large population cohorts (gnomAD); In silico analysis suggests that this missense variant does not alter protein structure/function; Has not been previously published as pathogenic or benign to our knowledge